The following is an entry in ClinVar:

ClinVar aggregate classification (germline): Likely benign (1 of 4 stars; one submission).

gnomAD v4.1: 38 of 1,600,318 alleles (0.0024%); highest among the groups gnomAD compares: Admixed American, 0.011%; no homozygotes.

Submission:

CeGaT Center for Human Genetics Tuebingen
Classification: Likely benign. Last evaluated: 2025-06-01. Review status: criteria provided, single submitter. Criteria: CeGaT Center For Human Genetics Tuebingen Variant Classification Criteria Version 2. Collection method: clinical testing. Allele origin: germline. Affected: yes. Observed: 1 variant allele.
Comment: SPEN: BP4, BP7

NM_015001.3(SPEN):c.1842C>T (p.Ala614=)

Gene: SPEN (spen family transcriptional repressor; plus strand). Cytogenetic location: 1p36.13.
Variant type: single nucleotide variant.
Coding change: c.1842C>T on transcript NM_015001.3 (MANE Select); coding-DNA position 1842, C replaced by T.
Protein change: p.Ala614=; no amino-acid change (alanine 614 retained).
Molecular consequence: synonymous variant.
Genome position (GRCh38, 1-based): chr1:15,922,341, C>T. VCF-style: chr1-15922341-C-T. GRCh37 (hg19) VCF-style: chr1-16248836-C-T.
Identifiers: ClinVar variation 4083620 (VCV004083620.8).